The following is an entry in ClinVar:

NM_005732.4(RAD50):c.757-1G>C

Gene: RAD50 (RAD50 double strand break repair protein; plus strand). Cytogenetic location: 5q31.1.
Variant type: single nucleotide variant.
Coding change: c.757-1G>C on transcript NM_005732.4 (MANE Select); the canonical splice acceptor site of the intron before coding-DNA position 757, G replaced by C.
Molecular consequence: splice acceptor variant.
Genome position (GRCh38, 1-based): chr5:132,587,561, G>C. VCF-style: chr5-132587561-G-C. GRCh37 (hg19) VCF-style: chr5-131923253-G-C.
Identifiers: ClinVar variation 457488 (VCV000457488.7), dbSNP rs1554098156, ClinGen allele CA360939978.

ClinVar aggregate classification (germline): Uncertain significance (1 of 4 stars; one submission).

Conditions:
Hereditary cancer-predisposing syndrome. Also called: Neoplastic Syndromes, Hereditary; Tumor predisposition; Hereditary Cancer Syndrome; Hereditary neoplastic syndrome. Identifiers: Orphanet 140162, MedGen C0027672, MeSH D009386, MONDO:0015356.

Submission:

Labcorp Genetics (formerly Invitae), Labcorp
Classification: Uncertain significance for Hereditary cancer-predisposing syndrome. Last evaluated: 2023-10-20. Review status: criteria provided, single submitter. Criteria: Invitae Variant Classification Sherloc (09022015). Collection method: clinical testing. Allele origin: germline.
Comment: This sequence change affects an acceptor splice site in intron 5 of the RAD50 gene. RNA analysis indicates that disruption of this splice site induces altered splicing and likely results in a shortened protein product. This variant is not present in population databases (gnomAD no frequency). This variant has not been reported in the literature in individuals affected with RAD50-related conditions. ClinVar contains an entry for this variant (Variation ID: 457488). Studies have shown that disruption of this splice site results in skipping of 6, but is expected to preserve the integrity of the reading-frame (Invitae). In summary, the available evidence is currently insufficient to determine the role of this variant in disease. Therefore, it has been classified as a Variant of Uncertain Significance.